The following is an entry in ClinVar:

NM_004998.4(MYO1E):c.720C>T (p.Leu240=)

Gene: MYO1E (myosin IE; minus strand). Cytogenetic location: 15q22.2.
Variant type: single nucleotide variant.
Coding change: c.720C>T on transcript NM_004998.4 (MANE Select); coding-DNA position 720, C replaced by T.
Protein change: p.Leu240=; no amino-acid change (leucine 240 retained).
Molecular consequence: synonymous variant.
Genome position (GRCh38, 1-based): chr15:59,224,746, G>A on the plus strand (C>T on the coding strand, the complement: MYO1E is on the minus strand). VCF-style: chr15-59224746-G-A. GRCh37 (hg19) VCF-style: chr15-59516945-G-A.
Identifiers: ClinVar variation 3046369 (VCV003046369.2), dbSNP rs766035189, ClinGen allele CA7590236.
Genomic context (GRCh38, chr15:59,224,746, plus strand): 5'-TACCAGAGTTTCCTGAAACTCCCGCCTGTCGTCAATGTCATCAACCTTGTATGAGCCCGA[G>A]AGGCTCAGGTAGTAATAATAGTCCATGCTGGTGATGCCAAGGCTGTGTTTCTGCTCTGCA-3'
Protein context (NP_004989.2, residues 230-250): TSMDYYYYLS[Leu240=]SGSYKVDDID

ClinVar aggregate classification (germline): Likely benign (0 of 4 stars; one submission).

Conditions:
MYO1E-related disorder. Also called: MYO1E-related condition.

Allele frequency attached by ClinVar (database versions not stated): gnomAD 0.00001.
gnomAD v4.1: 55 of 1,614,058 alleles (0.0034%); highest among the groups gnomAD compares: Non-Finnish European, 0.0045%; no homozygotes.

Submission:

PreventionGenetics, part of Exact Sciences
Classification: Likely benign for MYO1E-related condition. Last evaluated: 2020-03-23. Review status: no assertion criteria provided. Collection method: clinical testing. Allele origin: germline.
Comment: This variant is classified as likely benign based on ACMG/AMP sequence variant interpretation guidelines (Richards et al. 2015 PMID: 25741868, with internal and published modifications).